The following is an entry in ClinVar:

NM_000147.5(FUCA1):c.400T>G (p.Leu134Val)

Genes: FUCA1 (alpha-L-fucosidase 1; minus strand), LOC126805661 (BRD4-independent group 4 enhancer GRCh37_chr1:24191742-24192941; plus strand). Cytogenetic location: 1p36.11.
Variant type: single nucleotide variant.
Coding change: c.400T>G on transcript NM_000147.5 (MANE Select); coding-DNA position 400, T replaced by G.
Protein change: p.Leu134Val; replaces leucine 134 with valine.
Molecular consequence: missense variant. On other transcripts: non-coding transcript variant (4).
Genome position (GRCh38, 1-based): chr1:23,865,615, A>C on the plus strand (T>G on the coding strand, the complement: FUCA1 is on the minus strand). VCF-style: chr1-23865615-A-C. GRCh37 (hg19) VCF-style: chr1-24192105-A-C.
Other names: short protein forms L134V.
Identifiers: ClinVar variation 2112218 (VCV002112218.4), dbSNP rs2521746185, ClinGen allele CA339007761.
Genomic context (GRCh38, chr1:23,865,615, plus strand): 5'-TCCAGTTCCAAGACACAGGACTCGGCCAGTTTGTGAAGCCTTCGTGATGCTTTGTCGTCA[A>C]AACTACATACCTGTGGACAGCAAAACCACATGAGCAAAGGAAGTGGGCAGTGAACTTGCA-3'
Protein context (NP_000138.2, residues 124-144): FQAAGAKYVV[Leu134Val]TTKHHEGFTN

ClinVar aggregate classification (germline): Uncertain significance (1 of 4 stars; one submission).

Conditions:
Fucosidosis. Also called: ALPHA-L-FUCOSIDASE DEFICIENCY. Identifiers: Orphanet 349, MedGen C0016788, MONDO:0009254, OMIM 230000.

Submission:

Labcorp Genetics (formerly Invitae), Labcorp
Classification: Uncertain significance for Fucosidosis. Last evaluated: 2022-03-14. Review status: criteria provided, single submitter. Criteria: Invitae Variant Classification Sherloc (09022015). Collection method: clinical testing. Allele origin: germline.
Comment: This sequence change replaces leucine, which is neutral and non-polar, with valine, which is neutral and non-polar, at codon 134 of the FUCA1 protein (p.Leu134Val). In summary, the available evidence is currently insufficient to determine the role of this variant in disease. Therefore, it has been classified as a Variant of Uncertain Significance. Algorithms developed to predict the effect of missense changes on protein structure and function are either unavailable or do not agree on the potential impact of this missense change (SIFT: "Deleterious"; PolyPhen-2: "Probably Damaging"; Align-GVGD: "Class C0"). This variant has not been reported in the literature in individuals affected with FUCA1-related conditions. This variant is not present in population databases (gnomAD no frequency).